The following is an entry in ClinVar:

NM_001429.4(EP300):c.1388C>G (p.Ser463Cys)

Gene: EP300 (EP300 lysine acetyltransferase; plus strand). Cytogenetic location: 22q13.2.
Variant type: single nucleotide variant.
Coding change: c.1388C>G on transcript NM_001429.4 (MANE Select); coding-DNA position 1388, C replaced by G.
Protein change: p.Ser463Cys; replaces serine 463 with cysteine.
Molecular consequence: missense variant.
Genome position (GRCh38, 1-based): chr22:41,131,493, C>G. VCF-style: chr22-41131493-C-G. GRCh37 (hg19) VCF-style: chr22-41527497-C-G.
Other names: c.1388C>G, p.Ser463Cys (NM_001362843.2); short protein forms S463C.
Identifiers: ClinVar variation 4998974 (VCV004998974.1).

ClinVar aggregate classification (germline): Uncertain significance (1 of 4 stars; one submission).

Conditions:
EP300-related disorder. Also called: EP300-related condition; EP300-related disorders.

Submission:

PreventionGenetics, part of Exact Sciences
Classification: Uncertain significance for EP300-related condition. Last evaluated: 2025-03-18. Review status: criteria provided, single submitter. Criteria: ACMG Guidelines, 2015. Collection method: clinical testing. Allele origin: germline.
Comment: The EP300 c.1388C>G variant is predicted to result in the amino acid substitution p.Ser463Cys. To our knowledge, this variant has not been reported in the literature or in a large population database (gnomAD), indicating this variant is rare. At this time, the clinical significance of this variant is uncertain due to the absence of conclusive functional and genetic evidence.